The following is an entry in ClinVar:

ClinVar aggregate classification (germline): Uncertain significance. Review status: criteria provided, multiple submitters, no conflicts (2 of 4 stars). 2 submissions from 2 submitters: Uncertain significance (2). Last evaluated 2025-06-29.

Conditions:
Inborn genetic diseases. Identifiers: MedGen C0950123, MeSH D030342.

Allele frequency attached by ClinVar (database versions not stated): gnomAD exomes 0.00001; TOPMed 0.00013; gnomAD 0.00017.
gnomAD v4.1: 30 of 1,610,938 alleles (0.0019%); highest among the groups gnomAD compares: Admixed American, 0.05%; no homozygotes.

Submissions (2):

Ambry Genetics
Classification: Uncertain significance for Inborn genetic diseases. Last evaluated: 2025-06-29. Review status: criteria provided, single submitter. Criteria: Ambry Variant Classification Scheme 2023. Collection method: clinical testing. Allele origin: germline.

Labcorp Genetics (formerly Invitae), Labcorp
Classification: Uncertain significance. Last evaluated: 2024-04-10. Review status: criteria provided, single submitter. Criteria: Invitae Variant Classification Sherloc (09022015). Collection method: clinical testing. Allele origin: germline.
Comment: This sequence change replaces serine, which is neutral and polar, with proline, which is neutral and non-polar, at codon 912 of the TONSL protein (p.Ser912Pro). This variant is present in population databases (no rsID available, gnomAD 0.02%). This variant has not been reported in the literature in individuals affected with TONSL-related conditions. ClinVar contains an entry for this variant (Variation ID: 2192530). Advanced modeling of protein sequence and biophysical properties (such as structural, functional, and spatial information, amino acid conservation, physicochemical variation, residue mobility, and thermodynamic stability) performed at Invitae indicates that this missense variant is not expected to disrupt TONSL protein function with a negative predictive value of 80%. In summary, the available evidence is currently insufficient to determine the role of this variant in disease. Therefore, it has been classified as a Variant of Uncertain Significance.

NM_013432.5(TONSL):c.2734T>C (p.Ser912Pro)

Genes: TONSL (tonsoku like, DNA repair protein; minus strand), TONSL-AS1 (TONSL antisense RNA 1; plus strand). Cytogenetic location: 8q24.3.
Variant type: single nucleotide variant.
Coding change: c.2734T>C on transcript NM_013432.5 (MANE Select); coding-DNA position 2734, T replaced by C.
Protein change: p.Ser912Pro; replaces serine 912 with proline.
Molecular consequence: missense variant.
Genome position (GRCh38, 1-based): chr8:144,435,699, A>G on the plus strand (T>C on the coding strand, the complement: TONSL is on the minus strand). VCF-style: chr8-144435699-A-G. GRCh37 (hg19) VCF-style: chr8-145661082-A-G.
Other names: c.2734T>C (NM_013432.4); short protein forms S912P.
Identifiers: ClinVar variation 2192530 (VCV002192530.3), dbSNP rs1419240193, ClinGen allele CA372652843.